The following is an entry in ClinVar:

ClinVar aggregate classification (germline): Uncertain significance. Review status: criteria provided, multiple submitters, no conflicts (2 of 4 stars). 2 submissions from 2 submitters: Uncertain significance (2). Last evaluated 2022-11-06.

Conditions:
Idiopathic Pulmonary Fibrosis. Also called: Idiopathic fibrosing alveolitis, chronic form; idiopathic fibrosing alveolitis. Identifiers: Orphanet 2032, MedGen C1800706, MeSH D054990, MONDO:0800504.
Dyskeratosis congenita, autosomal dominant 2. Identifiers: MedGen C3151443, MONDO:0013521, OMIM 613989.
Dyskeratosis congenita. Identifiers: Orphanet 1775, MedGen C0265965, MONDO:0015780.

Allele frequency attached by ClinVar (database versions not stated): gnomAD exomes below 0.00001.
gnomAD v4.1: 2 of 1,613,202 alleles (0.00012%); highest among the groups gnomAD compares: Non-Finnish European, 0.00017%; no homozygotes.

Submissions (2):

Ambry Genetics
Classification: Uncertain significance for Dyskeratosis congenita. Last evaluated: 2022-11-06. Review status: criteria provided, single submitter. Criteria: Ambry Variant Classification Scheme 2023. Collection method: clinical testing. Allele origin: germline.
Comment: The p.K493R variant (also known as c.1478A>G), located in coding exon 2 of the TERT gene, results from an A to G substitution at nucleotide position 1478. The lysine at codon 493 is replaced by arginine, an amino acid with highly similar properties. This amino acid position is conserved. In addition, this alteration is predicted to be tolerated by in silico analysis. Since supporting evidence is limited at this time, the clinical significance of this alteration remains unclear.

Labcorp Genetics (formerly Invitae), Labcorp
Classification: Uncertain significance for Dyskeratosis congenita, autosomal dominant 2; Idiopathic Pulmonary Fibrosis. Last evaluated: 2022-04-23. Review status: criteria provided, single submitter. Criteria: Invitae Variant Classification Sherloc (09022015). Collection method: clinical testing. Allele origin: germline.
Comment: This sequence change replaces lysine, which is basic and polar, with arginine, which is basic and polar, at codon 493 of the TERT protein (p.Lys493Arg). This variant is present in population databases (no rsID available, gnomAD 0.0009%). This variant has not been reported in the literature in individuals affected with TERT-related conditions. Advanced modeling of protein sequence and biophysical properties (such as structural, functional, and spatial information, amino acid conservation, physicochemical variation, residue mobility, and thermodynamic stability) performed at Invitae indicates that this missense variant is not expected to disrupt TERT protein function. In summary, the available evidence is currently insufficient to determine the role of this variant in disease. Therefore, it has been classified as a Variant of Uncertain Significance.

NM_198253.3(TERT):c.1478A>G (p.Lys493Arg)

Gene: TERT (telomerase reverse transcriptase; minus strand). Cytogenetic location: 5p15.33.
Variant type: single nucleotide variant.
Coding change: c.1478A>G on transcript NM_198253.3 (MANE Select); coding-DNA position 1478, A replaced by G.
Protein change: p.Lys493Arg; replaces lysine 493 with arginine.
Molecular consequence: missense variant. On other transcripts: non-coding transcript variant (2).
Genome position (GRCh38, 1-based): chr5:1,293,408, T>C on the plus strand (A>G on the coding strand, the complement: TERT is on the minus strand). VCF-style: chr5-1293408-T-C. GRCh37 (hg19) VCF-style: chr5-1293523-T-C.
Other names: c.1478A>G, p.Lys493Arg (NM_001193376.3, NM_003219.1); short protein forms K493R.
Identifiers: ClinVar variation 2033803 (VCV002033803.3), dbSNP rs1205855450, ClinGen allele CA359085416.